The following is an entry in ClinVar:

ClinVar aggregate classification (germline): Pathogenic (1 of 4 stars; one submission).

Conditions:
Ornithine aminotransferase deficiency (GACR). Also called: Ornithine ketoacid aminotransferase deficiency; Gyrate atrophy; Gyrate atrophy of choroid and retina; Girate atrophy of the retina; HYPERORNITHINEMIA WITH GYRATE ATROPHY OF CHOROID AND RETINA; OKT DEFICIENCY. Identifiers: Orphanet 414, MedGen C0018425, MONDO:0009796, OMIM 258870.

Submission:

Labcorp Genetics (formerly Invitae), Labcorp
Classification: Pathogenic for Ornithine aminotransferase deficiency. Last evaluated: 2023-04-23. Review status: criteria provided, single submitter. Criteria: Invitae Variant Classification Sherloc (09022015). Collection method: clinical testing. Allele origin: germline.
Comment: This variant is not present in population databases (gnomAD no frequency). This sequence change affects the initiator methionine of the OAT mRNA. The next in-frame methionine is located at codon 139. Disruption of the initiator codon has been observed in individual(s) with gyrate atrophy of choroid and retina (PMID: 3339136). It has also been observed to segregate with disease in related individuals. For these reasons, this variant has been classified as Pathogenic. Experimental studies have shown that disruption of the initiator codon affects OAT function (PMID: 1737786). Algorithms developed to predict the effect of variants on protein structure and function are not available or were not evaluated for this variant.

Literature cited by the submitters: PubMed 3339136; PubMed 1737786.

NM_000274.4(OAT):c.1del (p.Met1fs)

Gene: OAT (ornithine aminotransferase; minus strand). Cytogenetic location: 10q26.13.
Variant type: Deletion.
Coding change: c.1del on transcript NM_000274.4 (MANE Select); coding-DNA position 1, one base deleted (A; older notation c.1delA).
Protein change: p.Met1fs; shifts the reading frame from methionine 1.
Molecular consequence: frameshift variant, initiator codon variant. On other transcripts: intron variant (2).
Genome position (GRCh38, 1-based): chr10:124,412,171, T deleted on the plus strand (A on the coding strand, the reverse complement: OAT is on the minus strand); the first of 2 consecutive T bases (chr10:124,412,171-124,412,172); deleting either gives the same sequence. VCF-style (leftmost placement, unchanged base first): chr10-124412170-AT-A. GRCh37 (hg19) VCF-style: chr10-126100739-AT-A.
Other names: c.1del, p.Met1fs (NM_001322965.2, NM_001322966.2, NM_001322967.2 and 4 more transcripts); c.-215-3206del (NM_001171814.2); c.-515-3206del (NM_001322974.2); short protein forms M1fs.
Identifiers: ClinVar variation 2858509 (VCV002858509.3), dbSNP rs2494525637, ClinGen allele CA2739276052.
Genomic context (GRCh38, chr10:124,412,170, plus strand): 5'-GAAGAATGAACTCCGCGACTAAGTACAGCAAACCTCTGCAAATGTGCTAGTTTGGAAAAC[AT>A]TGTGTCCTTCAAGTAGAAAAACCACAGATCTGTCCAAAGAAAAGAGAATGCATTAAGAGT-3'